The following is an entry in ClinVar:

NM_001242896.3(DEPDC5):c.1755T>A (p.His585Gln)

Gene: DEPDC5 (DEP domain containing 5, GATOR1 subcomplex subunit; plus strand). Cytogenetic location: 22q12.3.
Variant type: single nucleotide variant.
Coding change: c.1755T>A on transcript NM_001242896.3 (MANE Select); coding-DNA position 1755, T replaced by A.
Protein change: p.His585Gln; replaces histidine 585 with glutamine.
Molecular consequence: missense variant. On other transcripts: non-coding transcript variant (5).
Genome position (GRCh38, 1-based): chr22:31,819,110, T>A. VCF-style: chr22-31819110-T-A. GRCh37 (hg19) VCF-style: chr22-32215096-T-A.
Other names: c.1755T>A, p.His585Gln (NM_001136029.4, NM_001242897.2, NM_001363852.2 and 6 more transcripts); c.1671T>A, p.His557Gln (NM_001369901.1, NM_001369902.1); short protein forms H557Q, H585Q.
Identifiers: ClinVar variation 3364623 (VCV003364623.1).

ClinVar aggregate classification (germline): Uncertain significance (1 of 4 stars; one submission).

Submission:

GeneDx
Classification: Uncertain significance. Last evaluated: 2023-11-22. Review status: criteria provided, single submitter. Criteria: GeneDx Variant Classification Process June 2021. Collection method: clinical testing. Allele origin: germline. Affected: yes.
Comment: Not observed at significant frequency in large population cohorts (gnomAD); In silico analysis supports that this missense variant has a deleterious effect on protein structure/function; Has not been previously published as pathogenic or benign to our knowledge